The following is an entry in ClinVar:

ClinVar aggregate classification (germline): Uncertain significance (1 of 4 stars; one submission).

Conditions:
Cardiovascular phenotype. Identifiers: MedGen CN230736.

Submission:

Ambry Genetics
Classification: Uncertain significance for Cardiovascular phenotype. Last evaluated: 2024-10-07. Review status: criteria provided, single submitter. Criteria: Ambry Variant Classification Scheme 2023. Collection method: clinical testing. Allele origin: germline.
Comment: The p.D532N variant (also known as c.1594G>A), located in coding exon 8 of the AKAP9 gene, results from a G to A substitution at nucleotide position 1594. The aspartic acid at codon 532 is replaced by asparagine, an amino acid with highly similar properties. This amino acid position is conserved. In addition, this alteration is predicted to be tolerated by in silico analysis. Based on the available evidence, the clinical significance of this variant remains unclear.

NM_005751.5(AKAP9):c.1594G>A (p.Asp532Asn)

Gene: AKAP9 (A-kinase anchoring protein 9; plus strand). Cytogenetic location: 7q21.2.
Variant type: single nucleotide variant.
Coding change: c.1594G>A on transcript NM_005751.5 (MANE Select); coding-DNA position 1594, G replaced by A.
Protein change: p.Asp532Asn; replaces aspartic acid 532 with asparagine.
Molecular consequence: missense variant.
Genome position (GRCh38, 1-based): chr7:92,001,511, G>A. VCF-style: chr7-92001511-G-A. GRCh37 (hg19) VCF-style: chr7-91630825-G-A.
Other names: c.1594G>A, p.Asp532Asn (NM_147185.3); short protein forms D532N.
Identifiers: ClinVar variation 3516693 (VCV003516693.1).